The following is an entry in ClinVar:

ClinVar aggregate classification (germline): Uncertain significance. Review status: criteria provided, multiple submitters, no conflicts (2 of 4 stars). 3 submissions from 3 submitters: Uncertain significance (3). Last evaluated 2024-11-20.

Conditions:
Inborn genetic diseases. Identifiers: MedGen C0950123, MeSH D030342.

Allele frequency attached by ClinVar (database versions not stated): gnomAD 0.00001; gnomAD exomes 0.00002 and 0.00004; ESP Exome Variant Server 0.00008.
gnomAD v4.1: 76 of 1,613,696 alleles (0.0047%); highest among the groups gnomAD compares: Middle Eastern, 0.016%; no homozygotes.

Submissions (3):

Ambry Genetics
Classification: Uncertain significance for Inborn genetic diseases. Last evaluated: 2024-11-20. Review status: criteria provided, single submitter. Criteria: Ambry Variant Classification Scheme 2023. Collection method: clinical testing. Allele origin: germline.

GeneDx
Classification: Uncertain significance. Last evaluated: 2019-12-12. Review status: criteria provided, single submitter. Criteria: GeneDx Variant Classification Process June 2021. Collection method: clinical testing. Allele origin: germline. Affected: yes.
Comment: In silico analysis, which includes protein predictors and evolutionary conservation, supports a deleterious effect; Has not been previously published as pathogenic or benign to our knowledge

Breakthrough Genomics
Classification: Uncertain significance. Review status: criteria provided, single submitter. Criteria: ACMG Guidelines, 2015. Collection method: not provided. Allele origin: germline. Inheritance: Autosomal recessive inheritance. Affected: yes.

NM_182943.3(PLOD2):c.439G>C (p.Asp147His)

Genes: PLOD2 (procollagen-lysine,2-oxoglutarate 5-dioxygenase 2; minus strand), LOC129389144 (MPRA-validated peak4856 silencer; plus strand). Cytogenetic location: 3q24.
Variant type: single nucleotide variant.
Coding change: c.439G>C on transcript NM_182943.3 (MANE Select); coding-DNA position 439, G replaced by C.
Protein change: p.Asp147His; replaces aspartic acid 147 with histidine.
Molecular consequence: missense variant.
Genome position (GRCh38, 1-based): chr3:146,110,348, C>G on the plus strand (G>C on the coding strand, the complement: PLOD2 is on the minus strand). VCF-style: chr3-146110348-C-G. GRCh37 (hg19) VCF-style: chr3-145828135-C-G.
Other names: c.439G>C, p.Asp147His (NM_000935.3); c.439G>C (NM_000935.2); short protein forms D147H.
Identifiers: ClinVar variation 1311315 (VCV001311315.4), dbSNP rs147440183, ClinGen allele CA84537122.